The following is an entry in ClinVar:

NM_000051.4(ATM):c.7555C>G (p.Leu2519Val)

Genes: ATM (ATM serine/threonine kinase; plus strand), C11orf65 (chromosome 11 open reading frame 65; minus strand). Cytogenetic location: 11q22.3.
Variant type: single nucleotide variant.
Coding change: c.7555C>G on transcript NM_000051.4 (MANE Select); coding-DNA position 7555, C replaced by G.
Protein change: p.Leu2519Val; replaces leucine 2519 with valine.
Molecular consequence: missense variant. On other transcripts: non-coding transcript variant (1), intron variant (2).
Genome position (GRCh38, 1-based): chr11:108,331,483, C>G. VCF-style: chr11-108331483-C-G. GRCh37 (hg19) VCF-style: chr11-108202210-C-G.
Other names: c.7555C>G, p.Leu2519Val (NM_001351834.2); c.641-22412G>C (NM_001330368.2); c.*38+3737G>C (NM_001351110.2); short protein forms L2519V.
Identifiers: ClinVar variation 524378 (VCV000524378.11), dbSNP rs1555124019, ClinGen allele CA382560716.

ClinVar aggregate classification (germline): Uncertain significance. Review status: criteria provided, multiple submitters, no conflicts (2 of 4 stars). 2 submissions from 2 submitters: Uncertain significance (2). Last evaluated 2025-11-24.

Conditions:
Hereditary cancer-predisposing syndrome. Also called: Hereditary Cancer Syndrome; Neoplastic Syndromes, Hereditary; Tumor predisposition; Hereditary neoplastic syndrome. Identifiers: Orphanet 140162, MedGen C0027672, MeSH D009386, MONDO:0015356.
Ataxia-telangiectasia syndrome (AT). Also called: Cerebello-oculocutaneous telangiectasia; Immunodeficiency with ataxia telangiectasia; Ataxia-telangiectasia, complementation group E; Ataxia-telangiectasia, complementation group D; AT, COMPLEMENTATION GROUP C; ATAXIA-TELANGIECTASIA, COMPLEMENTATION GROUP A. Identifiers: Orphanet 100, MedGen C0004135, MONDO:0008840, OMIM 208900.

Submissions (2):

Ambry Genetics
Classification: Uncertain significance for Hereditary cancer-predisposing syndrome. Last evaluated: 2025-11-24. Review status: criteria provided, single submitter. Criteria: Ambry Variant Classification Scheme 2023. Collection method: clinical testing. Allele origin: germline.
Comment: The p.L2519V variant (also known as c.7555C>G), located in coding exon 50 of the ATM gene, results from a C to G substitution at nucleotide position 7555. The leucine at codon 2519 is replaced by valine, an amino acid with highly similar properties. This amino acid position is highly conserved in available vertebrate species. In addition, this alteration is predicted to be deleterious by in silico analysis. Since supporting evidence is limited at this time, the clinical significance of this alteration remains unclear.

Labcorp Genetics (formerly Invitae), Labcorp
Classification: Uncertain significance for Ataxia-telangiectasia syndrome. Last evaluated: 2024-05-18. Review status: criteria provided, single submitter. Criteria: Invitae Variant Classification Sherloc (09022015). Collection method: clinical testing. Allele origin: germline.
Comment: This sequence change replaces leucine, which is neutral and non-polar, with valine, which is neutral and non-polar, at codon 2519 of the ATM protein (p.Leu2519Val). This variant is not present in population databases (gnomAD no frequency). This variant has not been reported in the literature in individuals affected with ATM-related conditions. ClinVar contains an entry for this variant (Variation ID: 524378). An algorithm developed to predict the effect of missense changes on protein structure and function (PolyPhen-2) suggests that this variant is likely to be disruptive. In summary, the available evidence is currently insufficient to determine the role of this variant in disease. Therefore, it has been classified as a Variant of Uncertain Significance.

Literature cited by the submitters: PubMed 27932211 (cited by Ambry Genetics).